The following is an entry in ClinVar:

ClinVar aggregate classification (germline): Uncertain significance (1 of 4 stars; one submission).

Conditions:
Dyskeratosis congenita, autosomal dominant 2. Identifiers: MedGen C3151443, MONDO:0013521, OMIM 613989.
Idiopathic Pulmonary Fibrosis. Also called: Idiopathic fibrosing alveolitis, chronic form; idiopathic fibrosing alveolitis. Identifiers: Orphanet 2032, MedGen C1800706, MeSH D054990, MONDO:0800504.

Submission:

Labcorp Genetics (formerly Invitae), Labcorp
Classification: Uncertain significance for Dyskeratosis congenita, autosomal dominant 2; Idiopathic Pulmonary Fibrosis. Last evaluated: 2022-09-07. Review status: criteria provided, single submitter. Criteria: Invitae Variant Classification Sherloc (09022015). Collection method: clinical testing. Allele origin: germline.
Comment: This variant is not present in population databases (gnomAD no frequency). This sequence change falls in intron 15 of the TERT gene. It does not directly change the encoded amino acid sequence of the TERT protein. It affects a nucleotide within the consensus splice site. This variant has not been reported in the literature in individuals affected with TERT-related conditions. In summary, the available evidence is currently insufficient to determine the role of this variant in disease. Therefore, it has been classified as a Variant of Uncertain Significance. Variants that disrupt the consensus splice site are a relatively common cause of aberrant splicing (PMID: 17576681, 9536098). Algorithms developed to predict the effect of sequence changes on RNA splicing suggest that this variant may disrupt the consensus splice site.

Literature cited by the submitters: PubMed 17576681; PubMed 9536098.

NM_198253.3(TERT):c.3295+5G>C

Gene: TERT (telomerase reverse transcriptase; minus strand). Cytogenetic location: 5p15.33.
Variant type: single nucleotide variant.
Coding change: c.3295+5G>C on transcript NM_198253.3 (MANE Select); 5 bases into the intron after coding-DNA position 3295, G replaced by C.
Molecular consequence: intron variant.
Genome position (GRCh38, 1-based): chr5:1,254,363, C>G on the plus strand (G>C on the coding strand, the complement: TERT is on the minus strand). VCF-style: chr5-1254363-C-G. GRCh37 (hg19) VCF-style: chr5-1254478-C-G.
Other names: c.3106+5G>C (NM_001193376.3).
Identifiers: ClinVar variation 2029330 (VCV002029330.4), dbSNP rs2126559305, ClinGen allele CA2580071930.